The following is an entry in ClinVar:

ClinVar aggregate classification (germline): Benign (1 of 4 stars; one submission).

Conditions:
Oligodontia-cancer predisposition syndrome. Also called: TOOTH AGENESIS-COLORECTAL CANCER SYNDROME. Identifiers: Orphanet 300576, MedGen C1837750, MONDO:0012075, OMIM 608615. Disease mechanism: loss of function.

Submission:

Myriad Genetics, Inc.
Classification: Benign for Oligodontia-cancer predisposition syndrome. Last evaluated: 2024-07-02. Review status: criteria provided, single submitter. Criteria: Myriad Autosomal Dominant, Autosomal Recessive and X-Linked Classification Criteria (2023). Collection method: clinical testing. Allele origin: unknown.
Comment: This variant is considered benign. This variant is a silent/synonymous amino acid change and it is not expected to impact splicing.

NM_004655.4(AXIN2):c.1362_1365delinsGCCG (p.Ser454_Pro455=)

Gene: AXIN2 (axin 2; minus strand). Cytogenetic location: 17q24.1.
Variant type: Indel.
Coding change: c.1362_1365delinsGCCG on transcript NM_004655.4 (MANE Select); coding-DNA positions 1362 to 1365, TCCA replaced by GCCG.
Protein change: p.Ser454_Pro455=.
Molecular consequence: synonymous variant.
Genome position (GRCh38, 1-based): chr17:65,537,671-65,537,674, TGGA replaced by CGGC on the plus strand (TCCA replaced by GCCG on the coding strand, the reverse complement: AXIN2 is on the minus strand). VCF-style: chr17-65537671-TGGA-CGGC. GRCh37 (hg19) VCF-style: chr17-63533789-TGGA-CGGC.
Other names: c.1362_1365delinsGCCG, p.Ser454_Pro455= (NM_001363813.1).
Identifiers: ClinVar variation 3379210 (VCV003379210.1).